The following is an entry in ClinVar:

NM_000782.5(CYP24A1):c.425A>G (p.Lys142Arg)

Gene: CYP24A1 (cytochrome P450 family 24 subfamily A member 1; minus strand). Cytogenetic location: 20q13.2.
Variant type: single nucleotide variant.
Coding change: c.425A>G on transcript NM_000782.5 (MANE Select); coding-DNA position 425, A replaced by G.
Protein change: p.Lys142Arg; replaces lysine 142 with arginine.
Molecular consequence: missense variant.
Genome position (GRCh38, 1-based): chr20:54,172,933, T>C on the plus strand (A>G on the coding strand, the complement: CYP24A1 is on the minus strand). VCF-style: chr20-54172933-T-C. GRCh37 (hg19) VCF-style: chr20-52789472-T-C.
Other names: c.425A>G, p.Lys142Arg (NM_001128915.2); c.425A>G (NM_000782.4); short protein forms K142R.
Identifiers: ClinVar variation 1036471 (VCV001036471.11), dbSNP rs760244872, ClinGen allele CA9916174.

ClinVar aggregate classification (germline): Uncertain significance. Review status: criteria provided, multiple submitters, no conflicts (2 of 4 stars). 4 submissions from 4 submitters: Uncertain significance (4). Last evaluated 2024-11-26.

Conditions:
Inborn genetic diseases. Identifiers: MedGen C0950123, MeSH D030342.
Hypercalcemia, infantile, 1 (HCINF1). Identifiers: Orphanet 300547, MedGen CN031131, MONDO:0020739, OMIM 143880.

Allele frequency attached by ClinVar (database versions not stated): ExAC 0.00005; gnomAD exomes 0.00005 and 0.00009; gnomAD 0.00006 and 0.00007; TOPMed 0.00006.
gnomAD v4.1: 133 of 1,613,738 alleles (0.0082%); highest among the groups gnomAD compares: Non-Finnish European, 0.011%; no homozygotes.

Submissions (4):

Ambry Genetics
Classification: Uncertain significance for Inborn genetic diseases. Last evaluated: 2024-11-26. Review status: criteria provided, single submitter. Criteria: Ambry Variant Classification Scheme 2023. Collection method: clinical testing. Allele origin: germline.

Revvity Omics, Revvity
Classification: Uncertain significance for Hypercalcemia, infantile, 1. Last evaluated: 2022-08-30. Review status: criteria provided, single submitter. Criteria: ACMG Guidelines, 2015. Collection method: clinical testing. Allele origin: germline.

Labcorp Genetics (formerly Invitae), Labcorp
Classification: Uncertain significance. Last evaluated: 2021-12-18. Review status: criteria provided, single submitter. Criteria: Invitae Variant Classification Sherloc (09022015). Collection method: clinical testing. Allele origin: germline.
Comment: This sequence change replaces lysine, which is basic and polar, with arginine, which is basic and polar, at codon 142 of the CYP24A1 protein (p.Lys142Arg). This variant is present in population databases (rs760244872, gnomAD 0.009%). In summary, the available evidence is currently insufficient to determine the role of this variant in disease. Therefore, it has been classified as a Variant of Uncertain Significance. Algorithms developed to predict the effect of sequence changes on RNA splicing suggest that this variant may create or strengthen a splice site. Advanced modeling of protein sequence and biophysical properties (such as structural, functional, and spatial information, amino acid conservation, physicochemical variation, residue mobility, and thermodynamic stability) performed at Invitae indicates that this missense variant is not expected to disrupt CYP24A1 protein function. ClinVar contains an entry for this variant (Variation ID: 1036471). This variant has not been reported in the literature in individuals affected with CYP24A1-related conditions.

Fulgent Genetics
Classification: Uncertain significance for Hypercalcemia, infantile, 1. Last evaluated: 2021-08-22. Review status: criteria provided, single submitter. Criteria: ACMG Guidelines, 2015. Collection method: clinical testing. Allele origin: unknown.